The following is an entry in ClinVar:

NM_016580.4(PCDH12):c.2209A>G (p.Met737Val)

Genes: PCDH12 (protocadherin 12; minus strand), RNF14 (ring finger protein 14; plus strand). Cytogenetic location: 5q31.3.
Variant type: single nucleotide variant.
Coding change: c.2209A>G on transcript NM_016580.4 (MANE Select); coding-DNA position 2209, A replaced by G.
Protein change: p.Met737Val; replaces methionine 737 with valine.
Molecular consequence: missense variant.
Genome position (GRCh38, 1-based): chr5:141,955,643, T>C on the plus strand (A>G on the coding strand, the complement: PCDH12 is on the minus strand). VCF-style: chr5-141955643-T-C. GRCh37 (hg19) VCF-style: chr5-141335208-T-C.
Other names: short protein forms M737V.
Identifiers: ClinVar variation 1037750 (VCV001037750.8), dbSNP rs1753166944, ClinGen allele CA361577577.
Genomic context (GRCh38, chr5:141,955,643, plus strand): 5'-ACTCGGCCTCCCGACAGTTGTAGGCCCTGTTGTCCTTCTTTTCTGTCCGGCAGATGGACA[T>C]GAACAAAGCCAGGATCAACCCGAAGATGCCCAACAGTACAGCCAGGCAGATCACCGTCAG-3'
Protein context (NP_057664.1, residues 727-747): GIFGLILALF[Met737Val]SICRTEKKDN

ClinVar aggregate classification (germline): Uncertain significance (1 of 4 stars; one submission).

Allele frequency attached by ClinVar (database versions not stated): TOPMed below 0.00001.
gnomAD v4.1: 4 of 1,614,110 alleles (0.00025%); highest among the groups gnomAD compares: Admixed American, 0.0017%; no homozygotes.

Submission:

Labcorp Genetics (formerly Invitae), Labcorp
Classification: Uncertain significance. Last evaluated: 2022-11-15. Review status: criteria provided, single submitter. Criteria: Invitae Variant Classification Sherloc (09022015). Collection method: clinical testing. Allele origin: germline.
Comment: This variant has not been reported in the literature in individuals affected with PCDH12-related conditions. This variant is not present in population databases (gnomAD no frequency). This sequence change replaces methionine, which is neutral and non-polar, with valine, which is neutral and non-polar, at codon 737 of the PCDH12 protein (p.Met737Val). ClinVar contains an entry for this variant (Variation ID: 1037750). In summary, the available evidence is currently insufficient to determine the role of this variant in disease. Therefore, it has been classified as a Variant of Uncertain Significance. Advanced modeling of protein sequence and biophysical properties (such as structural, functional, and spatial information, amino acid conservation, physicochemical variation, residue mobility, and thermodynamic stability) performed at Invitae indicates that this missense variant is not expected to disrupt PCDH12 protein function.